The following is an entry in ClinVar:

NM_001080512.3(BICC1):c.656C>T (p.Pro219Leu)

Gene: BICC1 (BicC family RNA binding protein 1; plus strand). Cytogenetic location: 10q21.1.
Variant type: single nucleotide variant.
Coding change: c.656C>T on transcript NM_001080512.3 (MANE Select); coding-DNA position 656, C replaced by T.
Protein change: p.Pro219Leu; replaces proline 219 with leucine.
Molecular consequence: missense variant.
Genome position (GRCh38, 1-based): chr10:58,789,317, C>T. VCF-style: chr10-58789317-C-T. GRCh37 (hg19) VCF-style: chr10-60549077-C-T.
Other names: short protein forms P219L.
Identifiers: ClinVar variation 2416779 (VCV002416779.5), dbSNP rs758125959, ClinGen allele CA5508300.
Genomic context (GRCh38, chr10:58,789,317, plus strand): 5'-TTTAGGAGCTGCTTCCTTTGGTGCTGATGTTTGAGCTACCAATTGCTGGAATTCTTCAAC[C>T]GGTTCCTGATCCTAATTCCCCCTCTATTCAGCATATATCACAAACGTACAATATTTCAGT-3'
Protein context (NP_001073981.1, residues 209-229): FELPIAGILQ[Pro219Leu]VPDPNSPSIQ

ClinVar aggregate classification (germline): Uncertain significance (1 of 4 stars; one submission).

Allele frequency attached by ClinVar (database versions not stated): TOPMed 0.00003; ExAC 0.00004; gnomAD exomes 0.00004; gnomAD 0.00007.
gnomAD v4.1: 65 of 1,613,778 alleles (0.004%); highest among the groups gnomAD compares: East Asian, 0.011%; no homozygotes.

Submission:

Labcorp Genetics (formerly Invitae), Labcorp
Classification: Uncertain significance. Last evaluated: 2022-09-14. Review status: criteria provided, single submitter. Criteria: Invitae Variant Classification Sherloc (09022015). Collection method: clinical testing. Allele origin: germline.
Comment: This variant is present in population databases (rs758125959, gnomAD 0.03%). In summary, the available evidence is currently insufficient to determine the role of this variant in disease. Therefore, it has been classified as a Variant of Uncertain Significance. Algorithms developed to predict the effect of missense changes on protein structure and function (SIFT, PolyPhen-2, Align-GVGD) all suggest that this variant is likely to be tolerated. This variant has not been reported in the literature in individuals affected with BICC1-related conditions. This sequence change replaces proline, which is neutral and non-polar, with leucine, which is neutral and non-polar, at codon 219 of the BICC1 protein (p.Pro219Leu).